The following is an entry in ClinVar:

NM_006180.6(NTRK2):c.295G>T (p.Val99Leu)

Gene: NTRK2 (neurotrophic receptor tyrosine kinase 2; plus strand). Cytogenetic location: 9q21.33.
Variant type: single nucleotide variant.
Coding change: c.295G>T on transcript NM_006180.6 (MANE Select); coding-DNA position 295, G replaced by T.
Protein change: p.Val99Leu; replaces valine 99 with leucine.
Molecular consequence: missense variant. On other transcripts: 5 prime UTR variant (4).
Genome position (GRCh38, 1-based): chr9:84,702,355, G>T. VCF-style: chr9-84702355-G-T. GRCh37 (hg19) VCF-style: chr9-87317270-G-T.
Other names: c.295G>T, p.Val99Leu (NM_001007097.3, NM_001018064.3, NM_001018065.2 and 19 more transcripts); c.-174G>T (NM_001369535.1, NM_001369536.1, NM_001369550.1 and 1 more transcripts); short protein forms V99L.
Identifiers: ClinVar variation 2761219 (VCV002761219.3), dbSNP rs2491519880, ClinGen allele CA374005191.

ClinVar aggregate classification (germline): Uncertain significance (1 of 4 stars; one submission).

Submission:

Labcorp Genetics (formerly Invitae), Labcorp
Classification: Uncertain significance. Last evaluated: 2023-09-17. Review status: criteria provided, single submitter. Criteria: Invitae Variant Classification Sherloc (09022015). Collection method: clinical testing. Allele origin: germline.
Comment: Advanced modeling of protein sequence and biophysical properties (such as structural, functional, and spatial information, amino acid conservation, physicochemical variation, residue mobility, and thermodynamic stability) performed at Invitae indicates that this missense variant is not expected to disrupt NTRK2 protein function. In summary, the available evidence is currently insufficient to determine the role of this variant in disease. Therefore, it has been classified as a Variant of Uncertain Significance. This variant has not been reported in the literature in individuals affected with NTRK2-related conditions. This variant is not present in population databases (gnomAD no frequency). This sequence change replaces valine, which is neutral and non-polar, with leucine, which is neutral and non-polar, at codon 99 of the NTRK2 protein (p.Val99Leu).